The following is an entry in ClinVar:

NM_031443.4(CCM2):c.384G>A (p.Glu128=)

Gene: CCM2 (CCM2 scaffold protein; plus strand). Cytogenetic location: 7p13.
Variant type: single nucleotide variant.
Coding change: c.384G>A on transcript NM_031443.4 (MANE Select); coding-DNA position 384, G replaced by A.
Protein change: p.Glu128=; no amino-acid change (glutamic acid 128 retained).
Molecular consequence: synonymous variant. On other transcripts: non-coding transcript variant (1).
Genome position (GRCh38, 1-based): chr7:45,064,558, G>A. VCF-style: chr7-45064558-G-A. GRCh37 (hg19) VCF-style: chr7-45104157-G-A.
Other names: p.Glu128=; c.447G>A, p.Glu149= (NM_001029835.2); c.210G>A, p.Glu70= (NM_001167934.2, NM_001363459.2); c.384G>A, p.Glu128= (NM_001167935.2, NM_001363458.2).
Identifiers: ClinVar variation 261972 (VCV000261972.24), dbSNP rs73694268, ClinGen allele CA4246967.

ClinVar aggregate classification (germline): Benign. Review status: criteria provided, multiple submitters, no conflicts (2 of 4 stars). 5 submissions from 5 submitters: Benign (5). Last evaluated 2026-01-18.

Conditions:
Cerebral cavernous malformation 2. Also called: Familial Cerebral Cavernous Malformation 2. Identifiers: Orphanet 221061, MedGen C1864041, MONDO:0011304, OMIM 603284.

Allele frequency attached by ClinVar (database versions not stated): gnomAD exomes 0.00256; ExAC 0.00321; ESP Exome Variant Server 0.01015; gnomAD 0.01046 and 0.01100; TOPMed 0.01122; 1000 Genomes Project 0.01198; 1000 Genomes Project 30x 0.01249.
gnomAD v4.1: 3,059 of 1,614,018 alleles (0.19%); highest among the groups gnomAD compares: African/African-American, 3.6%; 48 homozygotes.

Submissions (5):

Labcorp Genetics (formerly Invitae), Labcorp
Classification: Benign for Cerebral cavernous malformation 2. Last evaluated: 2026-01-18. Review status: criteria provided, single submitter. Criteria: Invitae Variant Classification Sherloc (09022015). Collection method: clinical testing. Allele origin: germline.

Mayo Clinic Laboratories, Mayo Clinic
Classification: Benign. Last evaluated: 2023-06-22. Review status: criteria provided, single submitter. Criteria: ACMG Guidelines, 2015. Collection method: clinical testing. Allele origin: germline. Observed: 12 variant alleles.
Comment: BS1, BS2, BP4, BP7

ARUP Laboratories, Molecular Genetics and Genomics, ARUP Laboratories
Classification: Benign for Cerebral cavernous malformation 2. Last evaluated: 2022-09-23. Review status: criteria provided, single submitter. Criteria: ARUP Molecular Germline Variant Investigation Process 2021. Collection method: clinical testing. Allele origin: germline.

GeneDx
Classification: Benign. Last evaluated: 2017-08-31. Review status: criteria provided, single submitter. Criteria: GeneDx Variant Classification (06012015). Collection method: clinical testing. Allele origin: germline. Affected: yes.
Comment: This variant is considered likely benign or benign based on one or more of the following criteria: it is a conservative change, it occurs at a poorly conserved position in the protein, it is predicted to be benign by multiple in silico algorithms, and/or has population frequency not consistent with disease.

PreventionGenetics, part of Exact Sciences
Classification: Benign. Last evaluated: 2015-11-20. Review status: criteria provided, single submitter. Criteria: ACMG Guidelines, 2015. Collection method: clinical testing. Allele origin: germline.